The following is an entry in ClinVar:

NC_000004.11:g.(?_128802290)_(128803101_?)dup

Gene: PLK4 (polo like kinase 4; plus strand). Cytogenetic location: 4q28.2.
Variant type: Duplication.
Identifiers: ClinVar variation 1054427 (VCV001054427.3).

ClinVar aggregate classification (germline): Uncertain significance (1 of 4 stars; one submission).

Submission:

Labcorp Genetics (formerly Invitae), Labcorp
Classification: Uncertain significance. Last evaluated: 2023-06-13. Review status: criteria provided, single submitter. Criteria: Invitae Variant Classification Sherloc (09022015). Collection method: clinical testing. Allele origin: germline.
Comment: In summary, the available evidence is currently insufficient to determine the role of this variant in disease. Therefore, it has been classified as a Variant of Uncertain Significance. Experimental studies and prediction algorithms are not available or were not evaluated, and the functional significance of this variant is currently unknown. This variant has not been reported in the literature in individuals affected with PLK4-related conditions. This variant results in a copy number gain of the genomic region encompassing exon(s) 1-2 of the PLK4 gene. This region includes the initiator codon of the gene. This copy number gain extends beyond the assayed region for this gene and therefore may encompass additional genes. As the precise location of this event is unknown, it may be in tandem or it may be located elsewhere in the genome.